The following is an entry in ClinVar:

ClinVar aggregate classification (germline): Uncertain significance (1 of 4 stars; one submission).

Submission:

GeneDx
Classification: Uncertain significance. Last evaluated: 2024-09-28. Review status: criteria provided, single submitter. Criteria: GeneDx Variant Classification Process June 2021. Collection method: clinical testing. Allele origin: germline. Affected: yes.
Comment: Not observed at significant frequency in large population cohorts (gnomAD); In silico analysis supports that this missense variant has a deleterious effect on protein structure/function; Has not been previously published as pathogenic or benign to our knowledge

NM_001128840.3(CACNA1D):c.1708A>G (p.Met570Val)

Gene: CACNA1D (calcium voltage-gated channel subunit alpha1 D; plus strand). Cytogenetic location: 3p21.1.
Variant type: single nucleotide variant.
Coding change: c.1708A>G on transcript NM_001128840.3 (MANE Select); coding-DNA position 1708, A replaced by G.
Protein change: p.Met570Val; replaces methionine 570 with valine.
Molecular consequence: missense variant.
Genome position (GRCh38, 1-based): chr3:53,723,475, A>G. VCF-style: chr3-53723475-A-G. GRCh37 (hg19) VCF-style: chr3-53757502-A-G.
Other names: c.1768A>G, p.Met590Val (NM_000720.4); c.1708A>G, p.Met570Val (NM_001128839.3); short protein forms M570V, M590V.
Identifiers: ClinVar variation 3774795 (VCV003774795.1).